The following is an entry in ClinVar:

NM_000548.5(TSC2):c.1113G>T (p.Gln371His)

Gene: TSC2 (TSC complex subunit 2; plus strand). Cytogenetic location: 16p13.3.
Variant type: single nucleotide variant.
Coding change: c.1113G>T on transcript NM_000548.5 (MANE Select); coding-DNA position 1113, G replaced by T.
Protein change: p.Gln371His; replaces glutamine 371 with histidine.
Molecular consequence: missense variant.
Genome position (GRCh38, 1-based): chr16:2,060,807, G>T. VCF-style: chr16-2060807-G-T. GRCh37 (hg19) VCF-style: chr16-2110808-G-T.
Other names: c.1113G>T, p.Gln371His (NM_001077183.3, NM_001114382.3, NM_001363528.2 and 6 more transcripts); c.1002G>T, p.Gln334His (NM_001318827.2, NM_001406670.1, NM_001406678.1); c.966G>T, p.Gln322His (NM_001318829.2, NM_001406675.1, NM_001406676.1 and 1 more transcripts); c.513G>T, p.Gln171His (NM_001318831.2, NM_001406680.1, NM_001406682.1 and 6 more transcripts); c.1146G>T, p.Gln382His (NM_001318832.2); c.651G>T, p.Gln217His (NM_001406681.1); c.-319G>T (NM_001406689.1, NM_001406690.1, NM_001406691.1 and 4 more transcripts); c.-200G>T (NM_001406694.1, NM_001406695.1); and 4 more; short protein forms Q171H, Q371H, Q367H, Q401H, Q217H, Q322H, Q382H, Q334H.
Identifiers: ClinVar variation 1975421 (VCV001975421.6), dbSNP rs571767462, ClinGen allele CA394318387.

ClinVar aggregate classification (germline): Uncertain significance. Review status: criteria provided, multiple submitters, no conflicts (2 of 4 stars). 2 submissions from 2 submitters: Uncertain significance (2). Last evaluated 2023-11-30.

Conditions:
Tuberous sclerosis 2 (TSC2). Identifiers: Orphanet 805, MedGen C1860707, MONDO:0013199, OMIM 613254.
Tuberous sclerosis syndrome (TSC). Also called: Tuberous sclerosis; Tuberous Sclerosis Complex. Identifiers: Orphanet 805, MedGen C0041341, MONDO:0001734.

Submissions (2):

All of Us Research Program, National Institutes of Health
Classification: Uncertain significance for Tuberous sclerosis syndrome. Last evaluated: 2023-11-30. Review status: criteria provided, single submitter. Criteria: ACMG Guidelines, 2015. Collection method: clinical testing. Allele origin: germline. Inheritance: Autosomal dominant inheritance. Observed: 1 variant allele, 1 heterozygote.
Comment: This study involves interpretation of variants in research participants for the purpose of population health screening. Participant phenotype was not available at the time of variant classification. Additional details can be found in publication PMID: 35346344, PMCID: PMC8962531

Labcorp Genetics (formerly Invitae), Labcorp
Classification: Uncertain significance for Tuberous sclerosis 2. Last evaluated: 2023-05-23. Review status: criteria provided, single submitter. Criteria: Invitae Variant Classification Sherloc (09022015). Collection method: clinical testing. Allele origin: germline.
Comment: This variant has not been reported in the literature in individuals affected with TSC2-related conditions. This variant is not present in population databases (gnomAD no frequency). This sequence change replaces glutamine, which is neutral and polar, with histidine, which is basic and polar, at codon 371 of the TSC2 protein (p.Gln371His). ClinVar contains an entry for this variant (Variation ID: 1975421). In summary, the available evidence is currently insufficient to determine the role of this variant in disease. Therefore, it has been classified as a Variant of Uncertain Significance. Advanced modeling of protein sequence and biophysical properties (such as structural, functional, and spatial information, amino acid conservation, physicochemical variation, residue mobility, and thermodynamic stability) performed at Invitae indicates that this missense variant is not expected to disrupt TSC2 protein function.